The following is an entry in ClinVar:

NM_032520.5(GNPTG):c.823G>C (p.Glu275Gln)

Gene: GNPTG (N-acetylglucosamine-1-phosphate transferase subunit gamma; plus strand). Cytogenetic location: 16p13.3.
Variant type: single nucleotide variant.
Coding change: c.823G>C on transcript NM_032520.5 (MANE Select); coding-DNA position 823, G replaced by C.
Protein change: p.Glu275Gln; replaces glutamic acid 275 with glutamine.
Molecular consequence: missense variant.
Genome position (GRCh38, 1-based): chr16:1,362,906, G>C. VCF-style: chr16-1362906-G-C. GRCh37 (hg19) VCF-style: chr16-1412907-G-C.
Other names: short protein forms E275Q.
Identifiers: ClinVar variation 1061213 (VCV001061213.10), dbSNP rs1391028440, ClinGen allele CA394188826.

ClinVar aggregate classification (germline): Uncertain significance. Review status: criteria provided, single submitter (1 of 4 stars). 2 submissions from 2 submitters: Uncertain significance (1). 1 of the submissions does not count toward it. Last evaluated 2020-03-11.

Conditions:
GNPTG-mucolipidosis. Also called: MUCOLIPIDOSIS III, COMPLEMENTATION GROUP C; MUCOLIPIDOSIS III, IRANIAN VARIANT FORM; MUCOLIPIDOSIS III, VARIANT FORM; Mucolipidosis type III gamma; ML III GAMMA; ML IIIC. Identifiers: Orphanet 423470, Orphanet 577, MedGen C1854896, MONDO:0009652, OMIM 252605.

Allele frequency attached by ClinVar (database versions not stated): gnomAD exomes below 0.00001; gnomAD 0.00001; TOPMed 0.00001.

Submissions (2):

Labcorp Genetics (formerly Invitae), Labcorp
Classification: Uncertain significance. Last evaluated: 2020-03-11. Review status: criteria provided, single submitter. Criteria: Invitae Variant Classification Sherloc (09022015). Collection method: clinical testing. Allele origin: germline.
Comment: This sequence change replaces glutamic acid with glutamine at codon 275 of the GNPTG protein (p.Glu275Gln). The glutamic acid residue is moderately conserved and there is a small physicochemical difference between glutamic acid and glutamine. This variant also falls at the last nucleotide of exon 10 of the GNPTG coding sequence, which is part of the consensus splice site for this exon. This variant is not present in population databases (ExAC no frequency). This variant has not been reported in the literature in individuals with GNPTG-related conditions. Algorithms developed to predict the effect of missense changes on protein structure and function are either unavailable or do not agree on the potential impact of this missense change (SIFT: "Tolerated"; PolyPhen-2: "Possibly Damaging"; Align-GVGD: "Class C0"). Nucleotide substitutions within the consensus splice site are a relatively common cause of aberrant splicing (PMID: 17576681, 9536098). In summary, the available evidence is currently insufficient to determine the role of this variant in disease. Therefore, it has been classified as a Variant of Uncertain Significance.

Natera, Inc.
Classification: Uncertain significance for Mucolipidosis III gamma. Last evaluated: 2020-02-10. Review status: no assertion criteria provided. Collection method: clinical testing. Allele origin: germline. Not counted in ClinVar's aggregate classification.

Literature cited by the submitters: PubMed 17576681 (cited by Labcorp Genetics (formerly Invitae), Labcorp); PubMed 9536098 (cited by Labcorp Genetics (formerly Invitae), Labcorp).